The following is an entry in ClinVar:

NM_024675.4(PALB2):c.2462del (p.Asn821fs)

Gene: PALB2 (partner and localizer of BRCA2; minus strand). Cytogenetic location: 16p12.2.
Variant type: Deletion.
Coding change: c.2462del on transcript NM_024675.4 (MANE Select); coding-DNA position 2462, one base deleted (A; older notation c.2462delA).
Protein change: p.Asn821fs; shifts the reading frame from asparagine 821.
Molecular consequence: frameshift variant. On other transcripts: intron variant (1).
Genome position (GRCh38, 1-based): chr16:23,629,692, T deleted on the plus strand (A on the coding strand, the reverse complement: PALB2 is on the minus strand); the first of 4 consecutive T bases (chr16:23,629,692-23,629,695); deleting any one gives the same sequence. VCF-style (leftmost placement, unchanged base first): chr16-23629691-AT-A. GRCh37 (hg19) VCF-style: chr16-23641012-AT-A.
Other names: c.2402del, p.Asn801fs (NM_001407296.1); c.2462del, p.Asn821fs (NM_001407297.1, NM_001407298.1, NM_001407299.1 and 3 more transcripts); c.1577del, p.Asn526fs (NM_001407304.1, NM_001407305.1, NM_001407306.1 and 5 more transcripts); c.674del, p.Asn225fs (NM_001407312.1, NM_001407313.1); c.49-417del (NM_001407314.1); short protein forms N225fs, N526fs, N801fs, N821fs.
Identifiers: ClinVar variation 2674154 (VCV002674154.1), dbSNP rs2506404518, ClinGen allele CA2695197464.

ClinVar aggregate classification (germline): Pathogenic (1 of 4 stars; one submission).

Conditions:
Familial cancer of breast. Also called: Hereditary breast cancer; BREAST CANCER, FAMILIAL; hereditary breast carcinoma. Identifiers: Orphanet 227535, MedGen C0346153, MONDO:0016419, OMIM 114480. Disease mechanism: loss of function.

Submission:

Myriad Genetics, Inc.
Classification: Pathogenic for Familial cancer of breast. Last evaluated: 2023-09-12. Review status: criteria provided, single submitter. Criteria: Myriad Autosomal Dominant, Autosomal Recessive and X-Linked Classification Criteria (2023). Collection method: clinical testing. Allele origin: unknown.
Comment: This variant is considered pathogenic. This variant creates a frameshift predicted to result in premature protein truncation.